The following is an entry in ClinVar:

ClinVar aggregate classification (germline): Uncertain significance (1 of 4 stars; one submission).

Submission:

Ambry Genetics
Classification: Uncertain significance. Last evaluated: 2021-07-26. Review status: criteria provided, single submitter. Criteria: Ambry Variant Classification Scheme 2023. Collection method: clinical testing. Allele origin: germline.
Comment: The p.N598K variant (also known as c.1794T>A), located in coding exon 13 of the NPAT gene, results from a T to A substitution at nucleotide position 1794. The asparagine at codon 598 is replaced by lysine, an amino acid with similar properties. This amino acid position is conserved. In addition, this alteration is predicted to be tolerated by in silico analysis. Since supporting evidence is limited at this time, the clinical significance of this alteration remains unclear.

NM_002519.3(NPAT):c.1794T>A (p.Asn598Lys)

Gene: NPAT (nuclear protein, coactivator of histone transcription; minus strand). Cytogenetic location: 11q22.3.
Variant type: single nucleotide variant.
Coding change: c.1794T>A on transcript NM_002519.3 (MANE Select); coding-DNA position 1794, T replaced by A.
Protein change: p.Asn598Lys; replaces asparagine 598 with lysine.
Molecular consequence: missense variant.
Genome position (GRCh38, 1-based): chr11:108,173,190, A>T on the plus strand (T>A on the coding strand, the complement: NPAT is on the minus strand). VCF-style: chr11-108173190-A-T. GRCh37 (hg19) VCF-style: chr11-108043917-A-T.
Other names: c.1794T>A, p.Asn598Lys (NM_001321307.1); short protein forms N598K.
Identifiers: ClinVar variation 1780244 (VCV001780244.2), dbSNP rs2496719911, ClinGen allele CA382514337.